The following is an entry in ClinVar:

NM_001040142.2(SCN2A):c.3956G>T (p.Arg1319Leu)

Gene: SCN2A (sodium voltage-gated channel alpha subunit 2; plus strand). Cytogenetic location: 2q24.3.
Variant type: single nucleotide variant.
Coding change: c.3956G>T on transcript NM_001040142.2 (MANE Select); coding-DNA position 3956, G replaced by T.
Protein change: p.Arg1319Leu; replaces arginine 1319 with leucine.
Molecular consequence: missense variant.
Genome position (GRCh38, 1-based): chr2:165,373,331, G>T. VCF-style: chr2-165373331-G-T. GRCh37 (hg19) VCF-style: chr2-166229841-G-T.
Other names: c.3956G>T, p.Arg1319Leu (NM_001040143.2, NM_001371246.1, NM_001371247.1 and 1 more transcripts); short protein forms R1319L.
Identifiers: ClinVar variation 379254 (VCV000379254.15), dbSNP rs121917753, ClinGen allele CA16603920.

ClinVar aggregate classification (germline): Pathogenic. Review status: criteria provided, multiple submitters, no conflicts (2 of 4 stars). 5 submissions from 5 submitters: Pathogenic (3). 2 of the submissions do not count toward it. Last evaluated 2025-08-05.

Conditions:
Developmental and epileptic encephalopathy. Identifiers: MedGen C5779964, MONDO:0100620.
Developmental and epileptic encephalopathy, 11 (DEE11). Also called: Early infantile epileptic encephalopathy 11. Identifiers: Orphanet 1934, MedGen C3150987, MONDO:0013388, OMIM 613721.
Complex neurodevelopmental disorder. Identifiers: Orphanet 528084, MedGen C5568766, MONDO:0100038.
Episodic ataxia, type 9. Identifiers: MedGen C5394520, MONDO:0030064, OMIM 618924.

Submissions (6):

Institute of Human Genetics, University of Leipzig Medical Center
Classification: Pathogenic for Developmental and epileptic encephalopathy, 11. Last evaluated: 2025-08-05. Review status: criteria provided, single submitter. Criteria: ACMG Guidelines, 2015. Collection method: clinical testing. Allele origin: unknown. Inheritance: Autosomal dominant inheritance. Affected: yes.
Comment: Criteria applied: PS1, PS2_VSTR, PS3,PS4_STG PM5_STR, PM2_SUP, PP3_MOD

Genomic Medicine Center of Excellence, King Faisal Specialist Hospital and Research Centre
Classification: Pathogenic for Episodic ataxia, type 9. Last evaluated: 2024-03-25. Review status: criteria provided, single submitter. Criteria: ACMG Guidelines, 2015. Collection method: clinical testing. Allele origin: germline.

GeneDx
Classification: Pathogenic. Last evaluated: 2020-02-01. Review status: criteria provided, single submitter. Criteria: GeneDx Variant Classification Process June 2021. Collection method: clinical testing. Allele origin: germline. Affected: yes.
Comment: Not observed in large population cohorts (Lek et al., 2016); Missense variants in this gene are often considered pathogenic (Stenson et al., 2014); In silico analysis supports that this missense variant has a deleterious effect on protein structure/function; This variant is associated with the following publications: (PMID: 31054490, 27779742)

Neurology Department, Shenzhen Children's Hospital
Classification: Pathogenic for Developmental and epileptic encephalopathy. Last evaluated: 2022-02-16. Review status: no assertion criteria provided. Collection method: clinical testing. Allele origin: de novo. Affected: yes. Not counted in ClinVar's aggregate classification.

Centre de Biologie Pathologie Génétique, Centre Hospitalier Universitaire de Lille
Classification: Pathogenic for Early infantile epileptic encephalopathy 11. Last evaluated: 2019-01-01. Review status: no assertion criteria provided. Collection method: clinical testing. Allele origin: de novo. Affected: yes. Not counted in ClinVar's aggregate classification.

Channelopathy-Associated Epilepsy Research Center
No classification provided (evidence only). Condition: Complex neurodevelopmental disorder. Review status: no classification provided. Collection method: literature only. Allele origin: not applicable. Functional consequence: Moderate decrease in peak current, Normal voltage dependence of activation, Normal slope of activation, Moderate hyperpolarizing shift of voltage dependence of fast inactivation, Increase in slope of fast inactivation, Normal rate of recovery from fast inactivation, Normal recovery from slow inactivation, Mild slowing of fast inactivation. Not counted in ClinVar's aggregate classification.
ClinVar note: "not provided" was previously submitted as the classification for the variant. However, the classification appeared to be based only on an observation of functional data so it was converted to no classification on 2025-07-30.

Literature cited by the submitters: PubMed 37578743 (cited by Channelopathy-Associated Epilepsy Research Center).